The following is an entry in ClinVar:

NM_002519.3(NPAT):c.2238T>A (p.Asp746Glu)

Gene: NPAT (nuclear protein, coactivator of histone transcription; minus strand). Cytogenetic location: 11q22.3.
Variant type: single nucleotide variant.
Coding change: c.2238T>A on transcript NM_002519.3 (MANE Select); coding-DNA position 2238, T replaced by A.
Protein change: p.Asp746Glu; replaces aspartic acid 746 with glutamic acid.
Molecular consequence: missense variant.
Genome position (GRCh38, 1-based): chr11:108,172,746, A>T on the plus strand (T>A on the coding strand, the complement: NPAT is on the minus strand). VCF-style: chr11-108172746-A-T. GRCh37 (hg19) VCF-style: chr11-108043473-A-T.
Other names: c.2238T>A, p.Asp746Glu (NM_001321307.1); short protein forms D746E.
Identifiers: ClinVar variation 1338714 (VCV001338714.11), dbSNP rs201541696, ClinGen allele CA6263850.

ClinVar aggregate classification (germline): Uncertain significance. Review status: criteria provided, multiple submitters, no conflicts (2 of 4 stars). 3 submissions from 3 submitters: Uncertain significance (3). Last evaluated 2025-05-09.

Allele frequency attached by ClinVar (database versions not stated): ESP Exome Variant Server 0.00033.
gnomAD v4.1: 296 of 1,613,482 alleles (0.018%); highest among the groups gnomAD compares: Non-Finnish European, 0.024%; no homozygotes.

Submissions (3):

Labcorp Genetics (formerly Invitae), Labcorp
Classification: Uncertain significance. Last evaluated: 2025-05-09. Review status: criteria provided, single submitter. Criteria: Invitae Variant Classification Sherloc (09022015). Collection method: clinical testing. Allele origin: germline.
Comment: This sequence change replaces aspartic acid, which is acidic and polar, with glutamic acid, which is acidic and polar, at codon 746 of the NPAT protein (p.Asp746Glu). This variant is present in population databases (rs201541696, gnomAD 0.02%). This variant has not been reported in the literature in individuals affected with NPAT-related conditions. ClinVar contains an entry for this variant (Variation ID: 1338714). An algorithm developed to predict the effect of missense changes on protein structure and function (PolyPhen-2) suggests that this variant is likely to be tolerated. In summary, the available evidence is currently insufficient to determine the role of this variant in disease. Therefore, it has been classified as a Variant of Uncertain Significance.

Ambry Genetics
Classification: Uncertain significance. Last evaluated: 2025-05-05. Review status: criteria provided, single submitter. Criteria: Ambry Variant Classification Scheme 2023. Collection method: clinical testing. Allele origin: germline.

Genetic Services Laboratory, University of Chicago
Classification: Uncertain significance. Last evaluated: 2020-11-12. Review status: criteria provided, single submitter. Criteria: ACMG Guidelines, 2015. Collection method: clinical testing. Allele origin: germline. Affected: no.
Comment: DNA sequence analysis of the NPAT gene demonstrated a sequence change, c.2238T>A, in exon 13 that results in an amino acid change, p.Asp746Glu. This sequence change does not appear to have been previously described in patients with NPAT-related disorders and has been described in the gnomAD database with a frequency of 0.014% in the European sub-population (dbSNP rs201541696). The p.Asp746Glu change affects a highly conserved amino acid residue located in a domain of the NPAT protein that is not known to be functional. In-silico pathogenicity prediction tools (SIFT, PolyPhen2, Align GVGD, REVEL) provide contradictory results for the p.Asp746Glu substitution. Due to these contrasting evidences and the lack of functional studies, the clinical significance of the p.Asp746Glu change remains unknown at this time.